The following is an entry in ClinVar:

ClinVar aggregate classification (germline): Benign/Likely benign. Review status: criteria provided, multiple submitters, no conflicts (2 of 4 stars). 4 submissions from 4 submitters: Benign (1); Likely benign (3). Last evaluated 2026-08-01.

Allele frequency attached by ClinVar (database versions not stated): gnomAD exomes 0.00004 and 0.00019; gnomAD 0.00011 and 0.00012; ExAC 0.00014; TOPMed 0.00014; 1000 Genomes Project 0.00060; 1000 Genomes Project 30x 0.00062.

Submissions (4):

CeGaT Center for Human Genetics Tuebingen
Classification: Likely benign. Last evaluated: 2026-08-01. Review status: criteria provided, single submitter. Criteria: CeGaT Center For Human Genetics Tuebingen Variant Classification Criteria Version 2. Collection method: clinical testing. Allele origin: germline. Affected: yes. Observed: 1 variant allele.
Comment: NRXN2: BP4, BP7

Blueprint Genetics
Classification: Likely benign. Last evaluated: 2024-09-24. Review status: criteria provided, single submitter. Criteria: ACMG Guidelines, 2015. Collection method: clinical testing. Allele origin: germline.

Labcorp Genetics (formerly Invitae), Labcorp
Classification: Benign. Last evaluated: 2019-12-31. Review status: criteria provided, single submitter. Criteria: Invitae Variant Classification Sherloc (09022015). Collection method: clinical testing. Allele origin: germline.

Genetic Services Laboratory, University of Chicago
Classification: Likely benign. Last evaluated: 2019-09-04. Review status: criteria provided, single submitter. Criteria: ACMG Guidelines, 2015. Collection method: clinical testing. Allele origin: germline. Affected: no.

NM_015080.4(NRXN2):c.2883C>T (p.Asn961=)

Gene: NRXN2 (neurexin 2; minus strand). Cytogenetic location: 11q13.1.
Variant type: single nucleotide variant.
Coding change: c.2883C>T on transcript NM_015080.4 (MANE Select); coding-DNA position 2883, C replaced by T.
Protein change: p.Asn961=; no amino-acid change (asparagine 961 retained).
Molecular consequence: synonymous variant.
Genome position (GRCh38, 1-based): chr11:64,651,290, G>A on the plus strand (C>T on the coding strand, the complement: NRXN2 is on the minus strand). VCF-style: chr11-64651290-G-A. GRCh37 (hg19) VCF-style: chr11-64418762-G-A.
Other names: c.2883C>T, p.Asn961= (NM_001376262.1); c.2862C>T, p.Asn954= (NM_001376263.1, NM_001376267.1); c.2838C>T, p.Asn946= (NM_001376265.1); c.2859C>T, p.Asn953= (NM_001376266.1); c.2763C>T, p.Asn921= (NM_138732.3).
Identifiers: ClinVar variation 211703 (VCV000211703.13), dbSNP rs184068000, ClinGen allele CA205385.